The following is an entry in ClinVar:

ClinVar aggregate classification (germline): Uncertain significance (1 of 4 stars; one submission).

Conditions:
Cardiovascular phenotype. Identifiers: MedGen CN230736.

gnomAD v4.1: 1 of 1,602,642 alleles (0.000062%); highest among the groups gnomAD compares: Non-Finnish European, 0.000085%; no homozygotes.

Submission:

Ambry Genetics
Classification: Uncertain significance for Cardiovascular phenotype. Last evaluated: 2026-03-29. Review status: criteria provided, single submitter. Criteria: Ambry Variant Classification Scheme 2023. Collection method: clinical testing. Allele origin: germline.
Comment: The p.Q322K variant (also known as c.964C>A), located in coding exon 8 of the LIPA gene, results from a C to A substitution at nucleotide position 964. The glutamine at codon 322 is replaced by lysine, an amino acid with similar properties. This amino acid position is conserved. In addition, the in silico prediction for this alteration is inconclusive. Based on the available evidence, the clinical significance of this variant remains unclear.

NM_000235.4(LIPA):c.964C>A (p.Gln322Lys)

Gene: LIPA (lipase A, lysosomal acid type; minus strand). Cytogenetic location: 10q23.31.
Variant type: single nucleotide variant.
Coding change: c.964C>A on transcript NM_000235.4 (MANE Select); coding-DNA position 964, C replaced by A.
Protein change: p.Gln322Lys; replaces glutamine 322 with lysine.
Molecular consequence: missense variant.
Genome position (GRCh38, 1-based): chr10:89,215,940, G>T on the plus strand (C>A on the coding strand, the complement: LIPA is on the minus strand). VCF-style: chr10-89215940-G-T. GRCh37 (hg19) VCF-style: chr10-90975697-G-T.
Other names: c.964C>A, p.Gln322Lys (NM_001440825.1, NM_001440826.1, NM_001440827.1 and 16 more transcripts); c.1096C>A, p.Gln366Lys (NM_001440836.1); c.985C>A, p.Gln329Lys (NM_001440837.1); c.979C>A, p.Gln327Lys (NM_001440838.1); c.796C>A, p.Gln266Lys (NM_001440839.1); c.616C>A, p.Gln206Lys (NM_001288979.2); short protein forms Q206K, Q266K, Q322K, Q327K, Q329K, Q366K.
Identifiers: ClinVar variation 4859211 (VCV004859211.1).
Genomic context (GRCh38, chr10:89,215,940, plus strand): 5'-GCTGGCTTTCTTGATGAGTTTTCAGGGCCCCCTTTAATGAAAAGACTAAAAACTTTACCT[G>T]GTTGTAATGAAAATAATTCTTGGCACTGCTTCCCCAGTCAAAGGCTTGAAACTTTTGGAA-3'
Protein context (NP_000226.2, residues 312-332): SSAKNYFHYN[Gln322Lys]SYPPTYNVKD